The following is an entry in ClinVar:

NM_005631.5(SMO):c.2029A>G (p.Lys677Glu)

Gene: SMO (smoothened, frizzled class receptor; plus strand). Cytogenetic location: 7q32.1.
Variant type: single nucleotide variant.
Coding change: c.2029A>G on transcript NM_005631.5 (MANE Select); coding-DNA position 2029, A replaced by G.
Protein change: p.Lys677Glu; replaces lysine 677 with glutamic acid.
Molecular consequence: missense variant.
Genome position (GRCh38, 1-based): chr7:129,212,116, A>G. VCF-style: chr7-129212116-A-G. GRCh37 (hg19) VCF-style: chr7-128851957-A-G.
Other names: short protein forms K677E.
Identifiers: ClinVar variation 3600465 (VCV003600465.1).

ClinVar aggregate classification (germline): Uncertain significance (1 of 4 stars; one submission).

Conditions:
Congenital hypothalamic hamartoma syndrome. Also called: PALLISTER-HALL-LIKE SYNDROME. Identifiers: MedGen C5435677, MONDO:0009436, OMIM 241800.

gnomAD v4.1: 21 of 1,569,534 alleles (0.0013%); highest among the groups gnomAD compares: Non-Finnish European, 0.0018%; no homozygotes.

Submission:

Clinical Genomics Laboratory, Washington University in St. Louis
Classification: Uncertain significance for Congenital hypothalamic hamartoma syndrome. Last evaluated: 2024-06-10. Review status: criteria provided, single submitter. Criteria: ACMG Guidelines, 2015. Collection method: clinical testing. Allele origin: germline.
Comment: The SMO c.2029A>G (p.Lys677Glu) variant was identified at a near heterozygous allelic fraction of 48.8%, a frequency which may be consistent with germline origin. This variant has been reported in a case with familial early-onset mesothelioma (Pastorino S et al., PMID: 30376426) and is observed on 21/1569534 alleles in the general population (gnomAD v.4.1.0). Computational predictors are uncertain as to the impact of this variant on SMO function. Due to limited information, and based on the ACMG/AMP guidelines for variant interpretation (Richards S et al., PMID: 25741868), the clinical significance of this variant is uncertain at this time.